The following is an entry in ClinVar:

ClinVar aggregate classification (germline): Pathogenic (1 of 4 stars; one submission).

Conditions:
Autosomal recessive congenital ichthyosis 1 (LI1). Also called: DESQUAMATION OF NEWBORN; ICHTHYOSIS CONGENITA; ICHTHYOSIS CONGENITA II; LAMELLAR EXFOLIATION OF NEWBORN; ICHTHYOSIS, CONGENITAL, AUTOSOMAL RECESSIVE 1, WITH BATHING SUIT DISTRIBUTION; ICHTHYOSIS, CONGENITAL, AUTOSOMAL RECESSIVE 1, WITH OR WITHOUT BATHING SUIT DISTRIBUTION. Identifiers: MedGen C4551630, MONDO:0009441, OMIM 242300.

Submission:

Myriad Genetics, Inc.
Classification: Pathogenic for Autosomal recessive congenital ichthyosis 1. Last evaluated: 2023-11-21. Review status: criteria provided, single submitter. Criteria: Myriad Autosomal Dominant, Autosomal Recessive and X-Linked Classification Criteria (2023). Collection method: clinical testing. Allele origin: unknown.
Comment: NM_000359.2(TGM1):c.688_689delGC(A230Wfs*8) is expected to be pathogenic in the context of TGM1-related autosomal recessive congenital ichthyosis. This variant is predicted to lead to an abnormal or absent protein product due to the creation of a premature termination codon in TGM1, a gene where loss-of-function variants are known to be pathogenic. Please note: this variant was assessed in the context of healthy population screening.

NM_000359.3(TGM1):c.688_689del (p.Ala230fs)

Gene: TGM1 (transglutaminase 1; minus strand). Cytogenetic location: 14q12.
Variant type: Deletion.
Coding change: c.688_689del on transcript NM_000359.3 (MANE Select); coding-DNA positions 688 to 689, 2 bases deleted (GC; older notation c.688_689delGC).
Protein change: p.Ala230fs; shifts the reading frame from alanine 230.
Molecular consequence: frameshift variant.
Genome position (GRCh38, 1-based): chr14:24,260,518-24,260,519, GC deleted on the plus strand (GC on the coding strand, the reverse complement: TGM1 is on the minus strand); deleting any 2 consecutive bases within chr14:24,260,518-24,260,520 gives the same sequence; the c. name uses the placement nearest the transcript's 3' end. VCF-style (leftmost placement, unchanged base first): chr14-24260517-AGC-A. GRCh37 (hg19) VCF-style: chr14-24729723-AGC-A.
Other names: short protein forms A230fs.
Identifiers: ClinVar variation 5012507 (VCV005012507.1).